The following is an entry in ClinVar:

ClinVar aggregate classification (germline): Conflicting classifications of pathogenicity. Review status: criteria provided, conflicting classifications (1 of 4 stars). 3 submissions from 3 submitters: Uncertain significance (1); Likely benign (1). 1 of the submissions does not count toward it. Last evaluated 2026-04-20.

Conditions:
Kabuki syndrome. Also called: Kabuki make-up syndrome; NIIKAWA-KUROKI SYNDROME. Identifiers: Orphanet 2322, MedGen C0796004, MONDO:0016512.
KMT2D-related disorder. Also called: KMT2D-Related Disorders.

Allele frequency attached by ClinVar (database versions not stated): gnomAD exomes 0.00011 and 0.00010; ExAC 0.00016; TOPMed 0.00003; gnomAD 0.00004.
gnomAD v4.1: 140 of 1,512,256 alleles (0.0093%); highest among the groups gnomAD compares: East Asian, 0.034%; no homozygotes.

Submissions (3):

Women's Health and Genetics/Laboratory Corporation of America, LabCorp
Classification: Uncertain significance. Last evaluated: 2026-04-20. Review status: criteria provided, single submitter. Criteria: LabCorp Variant Classification Summary - May 2015. Collection method: clinical testing. Allele origin: germline.
Comment: Variant summary: KMT2D c.6562C>T (p.Arg2188Cys) results in a non-conservative amino acid change in the encoded protein sequence. Algorithms developed to predict the effect of missense changes on protein structure and function all suggest that this variant is likely to be disruptive. The variant allele was found at a frequency of 0.00011 in 149782 control chromosomes. This frequency is not significantly higher than estimated for disease-causing variants in KMT2D, allowing no conclusion about variant significance. To our knowledge, no occurrence of c.6562C>T in individuals affected with KMT2D-related conditions and no experimental evidence demonstrating its impact on protein function have been reported. ClinVar contains an entry for this variant (Variation ID: 1612768). Based on the evidence outlined above, the variant was classified as uncertain significance.

Labcorp Genetics (formerly Invitae), Labcorp
Classification: Likely benign for Kabuki syndrome. Last evaluated: 2026-01-04. Review status: criteria provided, single submitter. Criteria: Invitae Variant Classification Sherloc (09022015). Collection method: clinical testing. Allele origin: germline.

PreventionGenetics, part of Exact Sciences
Classification: Likely benign for KMT2D-related condition. Last evaluated: 2022-03-16. Review status: no assertion criteria provided. Collection method: clinical testing. Allele origin: germline. Not counted in ClinVar's aggregate classification.
Comment: This variant is classified as likely benign based on ACMG/AMP sequence variant interpretation guidelines (Richards et al. 2015 PMID: 25741868, with internal and published modifications).

NM_003482.4(KMT2D):c.6562C>T (p.Arg2188Cys)

Gene: KMT2D (lysine methyltransferase 2D; minus strand). Cytogenetic location: 12q13.12.
Variant type: single nucleotide variant.
Coding change: c.6562C>T on transcript NM_003482.4 (MANE Select); coding-DNA position 6562, C replaced by T.
Protein change: p.Arg2188Cys; replaces arginine 2188 with cysteine.
Molecular consequence: missense variant.
Genome position (GRCh38, 1-based): chr12:49,041,208, G>A on the plus strand (C>T on the coding strand, the complement: KMT2D is on the minus strand). VCF-style: chr12-49041208-G-A. GRCh37 (hg19) VCF-style: chr12-49434991-G-A.
Other names: c.6562C>T (NM_003482.3); short protein forms R2188C.
Identifiers: ClinVar variation 1612768 (VCV001612768.11), dbSNP rs780952932, ClinGen allele CA6547236.